The following is an entry in ClinVar:

NM_004104.5(FASN):c.4315C>T (p.Arg1439Trp)

Gene: FASN (fatty acid synthase; minus strand). Cytogenetic location: 17q25.3.
Variant type: single nucleotide variant.
Coding change: c.4315C>T on transcript NM_004104.5 (MANE Select); coding-DNA position 4315, C replaced by T.
Protein change: p.Arg1439Trp; replaces arginine 1439 with tryptophan.
Molecular consequence: missense variant.
Genome position (GRCh38, 1-based): chr17:82,085,129, G>A on the plus strand (C>T on the coding strand, the complement: FASN is on the minus strand). VCF-style: chr17-82085129-G-A. GRCh37 (hg19) VCF-style: chr17-80043005-G-A.
Other names: short protein forms R1439W.
Identifiers: ClinVar variation 1435527 (VCV001435527.8), dbSNP rs369734537, ClinGen allele CA8852092.

ClinVar aggregate classification (germline): Uncertain significance (1 of 4 stars; one submission).

Conditions:
Epileptic encephalopathy. Identifiers: MedGen C0543888, HP:0200134.

Allele frequency attached by ClinVar (database versions not stated): TOPMed below 0.00001; ExAC 0.00001; gnomAD 0.00001; gnomAD exomes 0.00001; ESP Exome Variant Server 0.00008.
gnomAD v4.1: 21 of 1,612,536 alleles (0.0013%); highest among the groups gnomAD compares: Middle Eastern, 0.016%; no homozygotes.

Submission:

Labcorp Genetics (formerly Invitae), Labcorp
Classification: Uncertain significance for Epileptic encephalopathy. Last evaluated: 2023-11-01. Review status: criteria provided, single submitter. Criteria: Invitae Variant Classification Sherloc (09022015). Collection method: clinical testing. Allele origin: germline.
Comment: This sequence change replaces arginine, which is basic and polar, with tryptophan, which is neutral and slightly polar, at codon 1439 of the FASN protein (p.Arg1439Trp). This variant is present in population databases (rs369734537, gnomAD 0.002%). This variant has not been reported in the literature in individuals affected with FASN-related conditions. ClinVar contains an entry for this variant (Variation ID: 1435527). An algorithm developed to predict the effect of missense changes on protein structure and function (PolyPhen-2) suggests that this variant is likely to be tolerated. In summary, the available evidence is currently insufficient to determine the role of this variant in disease. Therefore, it has been classified as a Variant of Uncertain Significance.